The following is an entry in ClinVar:

ClinVar aggregate classification (germline): Uncertain significance. Review status: criteria provided, multiple submitters, no conflicts (2 of 4 stars). 2 submissions from 2 submitters: Uncertain significance (2). Last evaluated 2025-10-21.

Conditions:
Hereditary cancer-predisposing syndrome. Also called: Tumor predisposition; Hereditary Cancer Syndrome; Hereditary neoplastic syndrome; Neoplastic Syndromes, Hereditary. Identifiers: Orphanet 140162, MedGen C0027672, MeSH D009386, MONDO:0015356.
Multiple endocrine neoplasia, type 2 (MEN2). Identifiers: Orphanet 653, MedGen C4048306, MONDO:0019003. Disease mechanism: gain of function.

Submissions (2):

Labcorp Genetics (formerly Invitae), Labcorp
Classification: Uncertain significance for Multiple endocrine neoplasia, type 2. Last evaluated: 2025-10-21. Review status: criteria provided, single submitter. Criteria: Invitae Variant Classification Sherloc (09022015). Collection method: clinical testing. Allele origin: germline.
Comment: This sequence change replaces serine, which is neutral and polar, with arginine, which is basic and polar, at codon 819 of the RET protein (p.Ser819Arg). This variant is not present in population databases (gnomAD no frequency). This variant has not been reported in the literature in individuals affected with RET-related conditions. ClinVar contains an entry for this variant (Variation ID: 1481838). An algorithm developed to predict the effect of missense changes on protein structure and function (PolyPhen-2) suggests that this variant is likely to be disruptive. In summary, the available evidence is currently insufficient to determine the role of this variant in disease. Therefore, it has been classified as a Variant of Uncertain Significance.

Ambry Genetics
Classification: Uncertain significance for Hereditary cancer-predisposing syndrome. Last evaluated: 2021-05-09. Review status: criteria provided, single submitter. Criteria: Ambry Variant Classification Scheme 2023. Collection method: clinical testing. Allele origin: germline.
Comment: The p.S819R variant (also known as c.2457C>G), located in coding exon 14 of the RET gene, results from a C to G substitution at nucleotide position 2457. The serine at codon 819 is replaced by arginine, an amino acid with dissimilar properties. This amino acid position is highly conserved in available vertebrate species. In addition, the in silico prediction for this alteration is inconclusive. Since supporting evidence is limited at this time, the clinical significance of this alteration remains unclear.

NM_020975.6(RET):c.2457C>G (p.Ser819Arg)

Gene: RET (ret proto-oncogene; plus strand). Cytogenetic location: 10q11.21.
Variant type: single nucleotide variant.
Coding change: c.2457C>G on transcript NM_020975.6 (MANE Select); coding-DNA position 2457, C replaced by G.
Protein change: p.Ser819Arg; replaces serine 819 with arginine.
Molecular consequence: missense variant.
Genome position (GRCh38, 1-based): chr10:43,119,595, C>G. VCF-style: chr10-43119595-C-G. GRCh37 (hg19) VCF-style: chr10-43615043-C-G.
Other names: c.2457C>G, p.Ser819Arg (NM_000323.2, NM_001406743.1, NM_001406744.1 and 4 more transcripts); c.1695C>G, p.Ser565Arg (NM_001355216.2); c.2328C>G, p.Ser776Arg (NM_001406761.1, NM_001406762.1, NM_001406764.1); c.2322C>G, p.Ser774Arg (NM_001406763.1, NM_001406765.1); c.2169C>G, p.Ser723Arg (NM_001406766.1, NM_001406767.1, NM_001406770.1); c.2193C>G, p.Ser731Arg (NM_001406768.1); c.2061C>G, p.Ser687Arg (NM_001406769.1, NM_001406772.1); c.2019C>G, p.Ser673Arg (NM_001406771.1, NM_001406773.1); and 10 more; short protein forms S819R, S565R, S520R, S577R, S644R, S731R, S776R, S477R.
Identifiers: ClinVar variation 1481838 (VCV001481838.11), dbSNP rs375322585, ClinGen allele CA376556242.
Genomic context (GRCh38, chr10:43,119,595, plus strand): 5'-GCTCCTCCTCATCGTGGAGTACGCCAAATACGGCTCCCTGCGGGGCTTCCTCCGCGAGAG[C>G]CGCAAAGTGGGGCCTGGCTACCTGGGCAGTGGAGGCAGCCGCAACTCCAGCTCCCTGGAC-3'
Protein context (NP_066124.1, residues 809-829): YGSLRGFLRE[Ser819Arg]RKVGPGYLGS